The following is an entry in ClinVar:

ClinVar aggregate classification (germline): Uncertain significance. Review status: criteria provided, multiple submitters, no conflicts (2 of 4 stars). 2 submissions from 2 submitters: Uncertain significance (2). Last evaluated 2024-06-16.

Conditions:
Fanconi anemia (FA). Also called: Fanconi's anemia. Identifiers: Orphanet 84, MedGen C0015625, MeSH D005199, MONDO:0019391.
Inborn genetic diseases. Identifiers: MedGen C0950123, MeSH D030342.

Allele frequency attached by ClinVar (database versions not stated): gnomAD exomes below 0.00001; gnomAD 0.00001.
gnomAD v4.1: 2 of 1,613,452 alleles (0.00012%); highest among the groups gnomAD compares: Admixed American, 0.0033%; no homozygotes.

Submissions (2):

Ambry Genetics
Classification: Uncertain significance for Inborn genetic diseases. Last evaluated: 2024-06-16. Review status: criteria provided, single submitter. Criteria: Ambry Variant Classification Scheme 2023. Collection method: clinical testing. Allele origin: germline.

Labcorp Genetics (formerly Invitae), Labcorp
Classification: Uncertain significance for Fanconi anemia. Last evaluated: 2021-08-28. Review status: criteria provided, single submitter. Criteria: Invitae Variant Classification Sherloc (09022015). Collection method: clinical testing. Allele origin: germline.
Comment: This sequence change replaces glutamic acid with valine at codon 807 of the FANCD2 protein (p.Glu807Val). The glutamic acid residue is moderately conserved and there is a moderate physicochemical difference between glutamic acid and valine. This variant is not present in population databases (ExAC no frequency). This variant has not been reported in the literature in individuals affected with FANCD2-related conditions. Algorithms developed to predict the effect of missense changes on protein structure and function are either unavailable or do not agree on the potential impact of this missense change (SIFT: "Deleterious"; PolyPhen-2: "Probably Damaging"; Align-GVGD: "Class C0"). In summary, the available evidence is currently insufficient to determine the role of this variant in disease. Therefore, it has been classified as a Variant of Uncertain Significance.

NM_001018115.3(FANCD2):c.2420A>T (p.Glu807Val)

Genes: FANCD2 (FA complementation group D2; plus strand), LOC107303338 (3p25 FANCD2 Alu-mediated recombination region; plus strand). Cytogenetic location: 3p25.3.
Variant type: single nucleotide variant.
Coding change: c.2420A>T on transcript NM_001018115.3 (MANE Select); coding-DNA position 2420, A replaced by T.
Protein change: p.Glu807Val; replaces glutamic acid 807 with valine.
Molecular consequence: missense variant.
Genome position (GRCh38, 1-based): chr3:10,067,243, A>T. VCF-style: chr3-10067243-A-T. GRCh37 (hg19) VCF-style: chr3-10108927-A-T.
Other names: c.2420A>T, p.Glu807Val (NM_001319984.2, NM_001374254.1, NM_033084.6); c.2309A>T, p.Glu770Val (NM_001374253.1); c.2420A>T (NM_033084.3); short protein forms E770V, E807V.
Identifiers: ClinVar variation 1016926 (VCV001016926.6), dbSNP rs1305213202, ClinGen allele CA351737944.
Genomic context (GRCh38, chr3:10,067,243, plus strand): 5'-ATGAGAATGTAATTTGTACTTTGCAGATTGTAAATGCCTTCTGCCAGGAAACATCACCTG[A>T]GATGAAGGGGAAGGTGCTCACTCGGTTAAAGCACATTGTAGAATTGCAAATAATCCTGGA-3'
Protein context (NP_001018125.1, residues 797-817): VNAFCQETSP[Glu807Val]MKGKVLTRLK